The following is an entry in ClinVar:

ClinVar aggregate classification (germline): Uncertain significance (1 of 4 stars; one submission).

Submission:

Dasa
Classification: Uncertain significance. Last evaluated: 2026-06-11. Review status: criteria provided, single submitter. Criteria: DASA Assertion Criteria. Collection method: clinical testing. Allele origin: germline.
Comment: NM_003070.5(SMARCA2):c.61C>G (p.Pro21Ala) is a missense variant that results in the substitution of proline with alanine. This variant is rare in population databases. The currently available literature and clinical evidence are not sufficient to establish a definitive association between this variant and the reported condition. Therefore, this variant is classified as a variant of uncertain significance.

NM_003070.5(SMARCA2):c.61C>G (p.Pro21Ala)

Gene: SMARCA2 (SWI/SNF related BAF chromatin remodeling complex subunit ATPase 2; plus strand). Cytogenetic location: 9p24.3.
Variant type: single nucleotide variant.
Coding change: c.61C>G on transcript NM_003070.5 (MANE Select); coding-DNA position 61, C replaced by G.
Protein change: p.Pro21Ala; replaces proline 21 with alanine.
Molecular consequence: missense variant.
Genome position (GRCh38, 1-based): chr9:2,029,083, C>G. VCF-style: chr9-2029083-C-G. GRCh37 (hg19) VCF-style: chr9-2029083-C-G.
Other names: c.61C>G, p.Pro21Ala (NM_001289396.2, NM_001289397.2, NM_139045.4); short protein forms P21A.
Identifiers: ClinVar variation 5020395 (VCV005020395.1).